The following is an entry in ClinVar:

ClinVar aggregate classification (germline): Likely benign. Review status: criteria provided, multiple submitters, no conflicts (2 of 4 stars). 4 submissions from 4 submitters: Likely benign (4). Last evaluated 2025-09-25.

Allele frequency attached by ClinVar (database versions not stated): ExAC 0.00005; gnomAD exomes 0.00007; TOPMed 0.00010; gnomAD 0.00019; 1000 Genomes Project 0.00060; 1000 Genomes Project 30x 0.00062.
gnomAD v4.1: 129 of 1,614,038 alleles (0.008%); highest among the groups gnomAD compares: Admixed American, 0.027%; no homozygotes.

Submissions (4):

Mayo Clinic Laboratories, Mayo Clinic
Classification: Likely benign. Last evaluated: 2025-09-25. Review status: criteria provided, single submitter. Criteria: ACMG Guidelines, 2015. Collection method: clinical testing. Allele origin: germline. Observed: 1 variant allele.
Comment: BP4, BP7

CeGaT Center for Human Genetics Tuebingen
Classification: Likely benign. Last evaluated: 2025-06-01. Review status: criteria provided, single submitter. Criteria: CeGaT Center For Human Genetics Tuebingen Variant Classification Criteria Version 2. Collection method: clinical testing. Allele origin: germline. Affected: yes. Observed: 1 variant allele.
Comment: CLCN2: BP4, BP7

Blueprint Genetics
Classification: Likely benign. Last evaluated: 2024-07-22. Review status: criteria provided, single submitter. Criteria: ACMG Guidelines, 2015. Collection method: clinical testing. Allele origin: germline.

Labcorp Genetics (formerly Invitae), Labcorp
Classification: Likely benign. Last evaluated: 2022-07-24. Review status: criteria provided, single submitter. Criteria: Invitae Variant Classification Sherloc (09022015). Collection method: clinical testing. Allele origin: germline.

NM_004366.6(CLCN2):c.1290C>T (p.Asn430=)

Gene: CLCN2 (chloride voltage-gated channel 2; minus strand). Cytogenetic location: 3q27.1.
Variant type: single nucleotide variant.
Coding change: c.1290C>T on transcript NM_004366.6 (MANE Select); coding-DNA position 1290, C replaced by T.
Protein change: p.Asn430=; no amino-acid change (asparagine 430 retained).
Molecular consequence: synonymous variant.
Genome position (GRCh38, 1-based): chr3:184,355,410, G>A on the plus strand (C>T on the coding strand, the complement: CLCN2 is on the minus strand). VCF-style: chr3-184355410-G-A. GRCh37 (hg19) VCF-style: chr3-184073198-G-A.
Other names: p.Asn430=; c.1290C>T, p.Asn430= (NM_001171087.3, NM_001171089.3); c.1158C>T, p.Asn386= (NM_001171088.3).
Identifiers: ClinVar variation 2043581 (VCV002043581.14), dbSNP rs185438143, ClinGen allele CA2734179.
Genomic context (GRCh38, chr3:184,355,410, plus strand): 5'-GCAGTGTACACGTGAGGAGCCCACCTTCATGAGAATGAAGATGACCAGGGTGAGGAAGAC[G>A]TTGGCACGTGGTGGGTTCCAGGCCTGTGAGGTGCTGGGTGGTTCTAGCTCCTCCACCAGG-3'
Protein context (NP_004357.3, residues 420-440): TSQAWNPPRA[Asn430=]VFLTLVIFIL